The following is an entry in ClinVar:

NM_000784.4(CYP27A1):c.252dup (p.Gln85fs)

Gene: CYP27A1 (cytochrome P450 family 27 subfamily A member 1; plus strand). Cytogenetic location: 2q35.
Variant type: Duplication.
Coding change: c.252dup on transcript NM_000784.4 (MANE Select); coding-DNA position 252, one base duplicated (A; older notation c.252dupA).
Protein change: p.Gln85fs; shifts the reading frame from glutamine 85.
Molecular consequence: frameshift variant.
Genome position (GRCh38, 1-based): chr2:218,782,434, A duplicated. VCF-style (leftmost placement, unchanged base first): chr2-218782433-T-TA. GRCh37 (hg19) VCF-style: chr2-219647156-T-TA.
Other names: short protein forms Q85fs.
Identifiers: ClinVar variation 2841497 (VCV002841497.3), dbSNP rs2470202191, ClinGen allele CA2739279667.

ClinVar aggregate classification (germline): Pathogenic (1 of 4 stars; one submission).

Conditions:
Cholestanol storage disease (CTX). Also called: Cerebrotendinous Xanthomatosis; CEREBRAL CHOLESTERINOSIS; CTX: Cerebrotendinous xanthomatosis. Identifiers: Orphanet 909, MedGen C0238052, MONDO:0008948, OMIM 213700.

Submission:

Labcorp Genetics (formerly Invitae), Labcorp
Classification: Pathogenic for Cholestanol storage disease. Last evaluated: 2023-02-28. Review status: criteria provided, single submitter. Criteria: Invitae Variant Classification Sherloc (09022015). Collection method: clinical testing. Allele origin: germline.
Comment: For these reasons, this variant has been classified as Pathogenic. This variant has not been reported in the literature in individuals affected with CYP27A1-related conditions. This variant is not present in population databases (gnomAD no frequency). This sequence change creates a premature translational stop signal (p.Gln85Thrfs*96) in the CYP27A1 gene. It is expected to result in an absent or disrupted protein product. Loss-of-function variants in CYP27A1 are known to be pathogenic (PMID: 9392430, 10775536, 26937392).

Literature cited by the submitters: PubMed 9392430; PubMed 10775536; PubMed 26937392.